The following is an entry in ClinVar:

ClinVar aggregate classification (germline): Uncertain significance. Review status: criteria provided, multiple submitters, no conflicts (2 of 4 stars). 3 submissions from 3 submitters: Uncertain significance (3). Last evaluated 2025-05-26.

Conditions:
Hereditary cancer-predisposing syndrome. Also called: Tumor predisposition; Neoplastic Syndromes, Hereditary; Hereditary Cancer Syndrome; Hereditary neoplastic syndrome. Identifiers: Orphanet 140162, MedGen C0027672, MeSH D009386, MONDO:0015356.
Multiple endocrine neoplasia, type 2 (MEN2). Identifiers: Orphanet 653, MedGen C4048306, MONDO:0019003. Disease mechanism: gain of function.

Submissions (3):

Labcorp Genetics (formerly Invitae), Labcorp
Classification: Uncertain significance for Multiple endocrine neoplasia, type 2. Last evaluated: 2025-05-26. Review status: criteria provided, single submitter. Criteria: Invitae Variant Classification Sherloc (09022015). Collection method: clinical testing. Allele origin: germline.
Comment: This sequence change replaces asparagine, which is neutral and polar, with lysine, which is basic and polar, at codon 1068 of the RET protein (p.Asn1068Lys). This variant is not present in population databases (gnomAD no frequency). This variant has not been reported in the literature in individuals affected with RET-related conditions. ClinVar contains an entry for this variant (Variation ID: 1728852). An algorithm developed to predict the effect of missense changes on protein structure and function (PolyPhen-2) suggests that this variant is likely to be tolerated. In summary, the available evidence is currently insufficient to determine the role of this variant in disease. Therefore, it has been classified as a Variant of Uncertain Significance.

Ambry Genetics
Classification: Uncertain significance for Hereditary cancer-predisposing syndrome. Last evaluated: 2024-11-11. Review status: criteria provided, single submitter. Criteria: Ambry Variant Classification Scheme 2023. Collection method: clinical testing. Allele origin: germline.
Comment: The p.N1068K variant (also known as c.3204C>A), located in coding exon 20 of the RET gene, results from a C to A substitution at nucleotide position 3204. The asparagine at codon 1068 is replaced by lysine, an amino acid with similar properties. This amino acid position is conserved. In addition, the in silico prediction for this alteration is inconclusive. Since supporting evidence is limited at this time, the clinical significance of this alteration remains unclear.

All of Us Research Program, National Institutes of Health
Classification: Uncertain significance for Multiple endocrine neoplasia, type 2. Last evaluated: 2023-06-26. Review status: criteria provided, single submitter. Criteria: ACMG Guidelines, 2015. Collection method: clinical testing. Allele origin: germline. Inheritance: Autosomal dominant inheritance. Observed: 1 variant allele, 1 heterozygote.
Comment: This missense variant replaces asparagine with lysine at codon 1068 of the RET protein. Computational prediction suggests that this variant may not impact protein structure and function (internally defined REVEL score threshold <= 0.5, PMID: 27666373). To our knowledge, functional studies have not been reported for this variant. This variant has not been reported in individuals affected with hereditary cancer in the literature. This variant has not been identified in the general population by the Genome Aggregation Database (gnomAD). The available evidence is insufficient to determine the role of this variant in disease conclusively. Therefore, this variant is classified as a Variant of Uncertain Significance.

This study involves interpretation of variants in research participants for the purpose of population health screening. Participant phenotype was not available at the time of variant classification. Additional details can be found in publication PMID: 35346344, PMCID: PMC8962531

NM_020975.6(RET):c.3204C>A (p.Asn1068Lys)

Gene: RET (ret proto-oncogene; plus strand). Cytogenetic location: 10q11.21.
Variant type: single nucleotide variant.
Coding change: c.3204C>A on transcript NM_020975.6 (MANE Select); coding-DNA position 3204, C replaced by A.
Protein change: p.Asn1068Lys; replaces asparagine 1068 with lysine.
Molecular consequence: missense variant.
Genome position (GRCh38, 1-based): chr10:43,128,128, C>A. VCF-style: chr10-43128128-C-A. GRCh37 (hg19) VCF-style: chr10-43623576-C-A.
Other names: c.3204C>A, p.Asn1068Lys (NM_000323.2, NM_001406743.1); c.*1374C>A (NM_001355216.2, NM_001406764.1, NM_001406765.1 and 15 more transcripts); c.3144C>A, p.Asn1048Lys (NM_001406759.1, NM_001406760.1); c.3075C>A, p.Asn1025Lys (NM_001406761.1, NM_001406762.1); c.3069C>A, p.Asn1023Lys (NM_001406763.1); c.2916C>A, p.Asn972Lys (NM_001406766.1, NM_001406767.1); c.2808C>A, p.Asn936Lys (NM_001406769.1); c.2766C>A, p.Asn922Lys (NM_001406771.1); and 7 more; short protein forms N673K, N806K, N1068K, N585K, N726K, N769K, N1023K, N1025K.
Identifiers: ClinVar variation 1728852 (VCV001728852.7), dbSNP rs768699100, ClinGen allele CA376558813.